The following is an entry in ClinVar:

NM_000088.4(COL1A1):c.4219A>G (p.Thr1407Ala)

Gene: COL1A1 (collagen type I alpha 1 chain; minus strand). Cytogenetic location: 17q21.33.
Variant type: single nucleotide variant.
Coding change: c.4219A>G on transcript NM_000088.4 (MANE Select); coding-DNA position 4219, A replaced by G.
Protein change: p.Thr1407Ala; replaces threonine 1407 with alanine.
Molecular consequence: missense variant.
Genome position (GRCh38, 1-based): chr17:50,185,807, T>C on the plus strand (A>G on the coding strand, the complement: COL1A1 is on the minus strand). VCF-style: chr17-50185807-T-C. GRCh37 (hg19) VCF-style: chr17-48263168-T-C.
Other names: short protein forms T1407A.
Identifiers: ClinVar variation 4072660 (VCV004072660.1).

ClinVar aggregate classification (germline): Uncertain significance (1 of 4 stars; one submission).

gnomAD v4.1: 2 of 1,613,906 alleles (0.00012%); highest among the groups gnomAD compares: Admixed American, 0.0033%; no homozygotes.

Submission:

GeneDx
Classification: Uncertain significance. Last evaluated: 2025-01-31. Review status: criteria provided, single submitter. Criteria: GeneDx Variant Classification Process June 2021. Collection method: clinical testing. Allele origin: germline. Affected: yes.
Comment: Not observed at significant frequency in large population cohorts (gnomAD); In silico analysis supports that this missense variant has a deleterious effect on protein structure/function; Not located in the triple helical region, where the majority of pathogenic missense variants occur (HGMD); Has not been previously published as pathogenic or benign to our knowledge